The following is an entry in ClinVar:

ClinVar aggregate classification (germline): Uncertain significance (1 of 4 stars; one submission).

Submission:

Labcorp Genetics (formerly Invitae), Labcorp
Classification: Uncertain significance. Last evaluated: 2021-04-24. Review status: criteria provided, single submitter. Criteria: Invitae Variant Classification Sherloc (09022015). Collection method: clinical testing. Allele origin: germline.
Comment: This sequence change replaces alanine with glycine at codon 300 of the COL11A1 protein (p.Ala300Gly). The alanine residue is moderately conserved and there is a small physicochemical difference between alanine and glycine. This variant is not present in population databases (ExAC no frequency). This variant has not been reported in the literature in individuals with COL11A1-related conditions. Algorithms developed to predict the effect of missense changes on protein structure and function are either unavailable or do not agree on the potential impact of this missense change (SIFT: "Tolerated"; PolyPhen-2: "Possibly Damaging"; Align-GVGD: "Class C0"). In summary, the available evidence is currently insufficient to determine the role of this variant in disease. Therefore, it has been classified as a Variant of Uncertain Significance.

NM_001854.4(COL11A1):c.899C>G (p.Ala300Gly)

Gene: COL11A1 (collagen type XI alpha 1 chain; minus strand). Cytogenetic location: 1p21.1.
Variant type: single nucleotide variant.
Coding change: c.899C>G on transcript NM_001854.4 (MANE Select); coding-DNA position 899, C replaced by G.
Protein change: p.Ala300Gly; replaces alanine 300 with glycine.
Molecular consequence: missense variant. On other transcripts: non-coding transcript variant (1), intron variant (1).
Genome position (GRCh38, 1-based): chr1:103,025,612, G>C on the plus strand (C>G on the coding strand, the complement: COL11A1 is on the minus strand). VCF-style: chr1-103025612-G-C. GRCh37 (hg19) VCF-style: chr1-103491168-G-C.
Other names: c.782C>G, p.Ala261Gly (NM_001190709.2); c.935C>G, p.Ala312Gly (NM_080629.3); c.897+604C>G (NM_080630.4); short protein forms A300G, A312G, A261G.
Identifiers: ClinVar variation 1348714 (VCV001348714.8), dbSNP rs2101961844, ClinGen allele CA341155754.